The following is an entry in ClinVar:

ClinVar aggregate classification (germline): Uncertain significance. Review status: criteria provided, multiple submitters, no conflicts (2 of 4 stars). 4 submissions from 4 submitters: Uncertain significance (3). 1 of the submissions does not count toward it. Last evaluated 2026-04-28.

Conditions:
Usher syndrome type 2A. Also called: RETINAL DISEASE IN USHER SYNDROME TYPE IIA, MODIFIER OF; USHER SYNDROME, TYPE IIA. Identifiers: Orphanet 231178, Orphanet 886, MedGen C1848634, MONDO:0010169, OMIM 276901.
Inborn genetic diseases. Identifiers: MedGen C0950123, MeSH D030342.

Allele frequency attached by ClinVar (database versions not stated): TOPMed 0.00002; gnomAD 0.00003.
gnomAD v4.1: 46 of 1,613,448 alleles (0.0029%); highest among the groups gnomAD compares: African/African-American, 0.004%; no homozygotes.

Submissions (4):

Ambry Genetics
Classification: Uncertain significance for Inborn genetic diseases. Last evaluated: 2026-04-28. Review status: criteria provided, single submitter. Criteria: Ambry Variant Classification Scheme 2023. Collection method: clinical testing. Allele origin: germline.

Blueprint Genetics
Classification: Uncertain significance. Last evaluated: 2024-10-23. Review status: criteria provided, single submitter. Criteria: ACMG Guidelines, 2015. Collection method: clinical testing. Allele origin: germline.

Labcorp Genetics (formerly Invitae), Labcorp
Classification: Uncertain significance. Last evaluated: 2022-07-06. Review status: criteria provided, single submitter. Criteria: Invitae Variant Classification Sherloc (09022015). Collection method: clinical testing. Allele origin: germline.
Comment: This sequence change replaces arginine, which is basic and polar, with histidine, which is basic and polar, at codon 551 of the USH2A protein (p.Arg551His). This variant is present in population databases (rs746477843, gnomAD 0.007%). This variant has not been reported in the literature in individuals affected with USH2A-related conditions. ClinVar contains an entry for this variant (Variation ID: 959214). Algorithms developed to predict the effect of missense changes on protein structure and function output the following: SIFT: "Tolerated"; PolyPhen-2: "Benign"; Align-GVGD: "Class C0". The histidine amino acid residue is found in multiple mammalian species, which suggests that this missense change does not adversely affect protein function. In summary, the available evidence is currently insufficient to determine the role of this variant in disease. Therefore, it has been classified as a Variant of Uncertain Significance.

Natera, Inc.
Classification: Uncertain significance for Usher syndrome type 2A. Last evaluated: 2020-06-11. Review status: no assertion criteria provided. Collection method: clinical testing. Allele origin: germline. Not counted in ClinVar's aggregate classification.

NM_206933.4(USH2A):c.1652G>A (p.Arg551His)

Gene: USH2A (usherin; minus strand). Cytogenetic location: 1q41.
Variant type: single nucleotide variant.
Coding change: c.1652G>A on transcript NM_206933.4 (MANE Select); coding-DNA position 1652, G replaced by A.
Protein change: p.Arg551His; replaces arginine 551 with histidine.
Molecular consequence: missense variant.
Genome position (GRCh38, 1-based): chr1:216,292,363, C>T on the plus strand (G>A on the coding strand, the complement: USH2A is on the minus strand). VCF-style: chr1-216292363-C-T. GRCh37 (hg19) VCF-style: chr1-216465705-C-T.
Other names: c.1652G>A, p.Arg551His (NM_007123.6); short protein forms R551H.
Identifiers: ClinVar variation 959214 (VCV000959214.6), dbSNP rs746477843, ClinGen allele CA1396432.
Genomic context (GRCh38, chr1:216,292,363, plus strand): 5'-TTGAAAGCGTAAACTTGATCACCTTGGCGGAAAGGCTTGTCATTATAAAGAGGCAAGCAG[C>T]GATCACACTAGAACAAAAAATATCAGAACAGTAAAGAAAATAAAGCTGTGATTTTCTTTC-3'
Protein context (NP_996816.3, residues 541-561): ESFTEGLHCD[Arg551His]CLPLYNDKPF